The following is an entry in ClinVar:

ClinVar aggregate classification (germline): Likely pathogenic (0 of 4 stars; one submission).

Conditions:
PORCN-related disorder. Also called: PORCN-related condition.

Submission:

PreventionGenetics, part of Exact Sciences
Classification: Likely pathogenic for PORCN-related condition. Last evaluated: 2024-01-02. Review status: no assertion criteria provided. Collection method: clinical testing. Allele origin: germline.
Comment: The PORCN c.1315_1316delTG variant is predicted to result in a frameshift and premature protein termination (p.Trp439Valfs*31). To our knowledge, this variant has not been reported in the literature or in a large population database, indicating this variant is rare. Frameshift variants in PORCN are expected to be pathogenic. This variant is interpreted as likely pathogenic.

NM_203475.3(PORCN):c.1315_1316del (p.Trp439fs)

Gene: PORCN (porcupine O-acyltransferase; plus strand). Cytogenetic location: Xp11.23.
Variant type: Deletion.
Coding change: c.1315_1316del on transcript NM_203475.3 (MANE Select); coding-DNA positions 1315 to 1316, 2 bases deleted (TG; older notation c.1315_1316delTG).
Protein change: p.Trp439fs; shifts the reading frame from tryptophan 439.
Molecular consequence: frameshift variant.
Genome position (GRCh38, 1-based): chrX:48,520,405-48,520,406, TG deleted; deleting any 2 consecutive bases within chrX:48,520,404-48,520,406 gives the same sequence; the c. name uses the placement nearest the transcript's 3' end. VCF-style (leftmost placement, unchanged base first): chrX-48520403-AGT-A. GRCh37 (hg19) VCF-style: chrX-48378791-AGT-A.
Other names: c.1069_1070del, p.Trp357fs (NM_001282167.2); c.1282_1283del, p.Trp428fs (NM_022825.4); c.1300_1301del, p.Trp434fs (NM_203473.3); c.1297_1298del, p.Trp433fs (NM_203474.1); short protein forms W357fs, W428fs, W433fs, W434fs, W439fs.
Identifiers: ClinVar variation 3031345 (VCV003031345.2), dbSNP rs2519511864, ClinGen allele CA2740092124.